The following is an entry in ClinVar:

NM_002880.4(RAF1):c.592A>G (p.Asn198Asp)

Gene: RAF1 (Raf-1 proto-oncogene, serine/threonine kinase; minus strand). Cytogenetic location: 3p25.2.
Variant type: single nucleotide variant.
Coding change: c.592A>G on transcript NM_002880.4 (MANE Select); coding-DNA position 592, A replaced by G.
Protein change: p.Asn198Asp; replaces asparagine 198 with aspartic acid.
Molecular consequence: missense variant. On other transcripts: non-coding transcript variant (3), intron variant (2).
Genome position (GRCh38, 1-based): chr3:12,606,289, T>C on the plus strand (A>G on the coding strand, the complement: RAF1 is on the minus strand). VCF-style: chr3-12606289-T-C. GRCh37 (hg19) VCF-style: chr3-12647788-T-C.
Other names: c.592A>G, p.Asn198Asp (NM_001354690.3, NM_001354689.3); c.349A>G, p.Asn117Asp (NM_001354691.3, NM_001354692.3, NM_001354694.3); c.339-2000A>G (NM_001354695.3); c.582-2000A>G (NM_001354693.3); short protein forms N198D, N117D.
Identifiers: ClinVar variation 2839469 (VCV002839469.3), dbSNP rs1208112942, ClinGen allele CA351515103.

ClinVar aggregate classification (germline): Uncertain significance (1 of 4 stars; one submission).

Conditions:
RASopathy. Also called: rasopathies; Noonan spectrum disorder. Identifiers: Orphanet 536391, MedGen C5555857, MONDO:0021060.

Submission:

Labcorp Genetics (formerly Invitae), Labcorp
Classification: Uncertain significance for RASopathy. Last evaluated: 2023-02-21. Review status: criteria provided, single submitter. Criteria: Invitae Variant Classification Sherloc (09022015). Collection method: clinical testing. Allele origin: germline.
Comment: This variant has not been reported in the literature in individuals affected with RAF1-related conditions. Advanced modeling of protein sequence and biophysical properties (such as structural, functional, and spatial information, amino acid conservation, physicochemical variation, residue mobility, and thermodynamic stability) performed at Invitae indicates that this missense variant is not expected to disrupt RAF1 protein function. In summary, the available evidence is currently insufficient to determine the role of this variant in disease. Therefore, it has been classified as a Variant of Uncertain Significance. This variant is not present in population databases (gnomAD no frequency). This sequence change replaces asparagine, which is neutral and polar, with aspartic acid, which is acidic and polar, at codon 198 of the RAF1 protein (p.Asn198Asp).